The following is an entry in ClinVar:

ClinVar aggregate classification (germline): Likely benign (0 of 4 stars; one submission).

Conditions:
HRAS-related disorder. Also called: HRAS-related condition.

Allele frequency attached by ClinVar (database versions not stated): gnomAD exomes below 0.00001.
gnomAD v4.1: 1 of 1,592,280 alleles (0.000063%); highest among the groups gnomAD compares: Non-Finnish European, 0.000085%; no homozygotes.

Submission:

PreventionGenetics, part of Exact Sciences
Classification: Likely benign for HRAS-related condition. Last evaluated: 2023-03-01. Review status: no assertion criteria provided. Collection method: clinical testing. Allele origin: germline.
Comment: This variant is classified as likely benign based on ACMG/AMP sequence variant interpretation guidelines (Richards et al. 2015 PMID: 25741868, with internal and published modifications).

NM_005343.4(HRAS):c.450+170T>G

Genes: HRAS (HRas proto-oncogene, GTPase; minus strand), LRRC56 (leucine rich repeat containing 56; plus strand). Cytogenetic location: 11p15.5.
Variant type: single nucleotide variant.
Coding change: c.450+170T>G on transcript NM_005343.4 (MANE Select); 170 bases into the intron after coding-DNA position 450, T replaced by G.
Molecular consequence: intron variant. On other transcripts: synonymous variant (1), 3 prime UTR variant (1).
Genome position (GRCh38, 1-based): chr11:533,283, A>C on the plus strand (T>G on the coding strand, the complement: HRAS is on the minus strand). VCF-style: chr11-533283-A-C. GRCh37 (hg19) VCF-style: chr11-533283-A-C.
Other names: c.207T>G, p.Pro69= (NM_001318054.2); c.*13T>G (NM_176795.5); c.450+170T>G (NM_001130442.3).
Identifiers: ClinVar variation 3048018 (VCV003048018.2), dbSNP rs930599572, ClinGen allele CA2611690518.
Genomic context (GRCh38, chr11:533,283, plus strand): 5'-GCCCAGACCCCGGCCCTCGCCTCCCTCACTGCCCTGCCGTCCCGGGAGACTTACAGCGCG[A>C]GGGGCCGCTGGGTCACATGGGTCCCGGGGGGTCCCAGAGGGTCCCGGAGCTGGAGCTAGA-3'